The following is an entry in ClinVar:

ClinVar aggregate classification (germline): Uncertain significance. Review status: criteria provided, multiple submitters, no conflicts (2 of 4 stars). 2 submissions from 2 submitters: Uncertain significance (2). Last evaluated 2025-02-25.

Conditions:
Long QT syndrome (LQTS). Identifiers: MedGen C0023976, MeSH D008133, MONDO:0002442. Disease mechanism: loss of function. Inheritance: Various modes of inheritance.
CACNA1C-related disorder. Also called: CACNA1C-related disorders; CACNA1C-related condition. Identifiers: MedGen CN381092, MONDO:0700321.

Submissions (2):

PreventionGenetics, part of Exact Sciences
Classification: Uncertain significance for CACNA1C-related condition. Last evaluated: 2025-02-25. Review status: criteria provided, single submitter. Criteria: ACMG Guidelines, 2015. Collection method: clinical testing. Allele origin: germline.
Comment: The CACNA1C c.1147G>T variant is predicted to result in the amino acid substitution p.Val383Leu. To our knowledge, this variant has not been reported in the literature or in a large population database (gnomAD), indicating this variant is rare. At this time, the clinical significance of this variant is uncertain due to the absence of conclusive functional and genetic evidence.

Labcorp Genetics (formerly Invitae), Labcorp
Classification: Uncertain significance for Long QT syndrome. Last evaluated: 2023-05-01. Review status: criteria provided, single submitter. Criteria: Invitae Variant Classification Sherloc (09022015). Collection method: clinical testing. Allele origin: germline.
Comment: This variant is not present in population databases (gnomAD no frequency). This sequence change replaces valine, which is neutral and non-polar, with leucine, which is neutral and non-polar, at codon 383 of the CACNA1C protein (p.Val383Leu). The CACNA1C gene has multiple clinically relevant transcripts. This variant occurs in alternate transcript NM_001129840.1, and corresponds to NM_000719.6:c.1114-373G>T in the primary transcript. This variant has not been reported in the literature in individuals affected with CACNA1C-related conditions. In summary, the available evidence is currently insufficient to determine the role of this variant in disease. Therefore, it has been classified as a Variant of Uncertain Significance. Algorithms developed to predict the effect of sequence changes on RNA splicing suggest that this variant is not likely to affect RNA splicing. Experimental studies and prediction algorithms are not available or were not evaluated, and the functional significance of this variant is currently unknown.

NM_001167623.2(CACNA1C):c.1147G>T (p.Val383Leu)

Gene: CACNA1C (calcium voltage-gated channel subunit alpha1 C; plus strand). Cytogenetic location: 12p13.33.
Variant type: single nucleotide variant.
Coding change: c.1147G>T on transcript NM_001167623.2 (MANE Plus Clinical); coding-DNA position 1147, G replaced by T.
Protein change: p.Val383Leu; replaces valine 383 with leucine.
Molecular consequence: missense variant. On other transcripts: intron variant (19).
Genome position (GRCh38, 1-based): chr12:2,504,469, G>T. VCF-style: chr12-2504469-G-T. GRCh37 (hg19) VCF-style: chr12-2613635-G-T.
Other names: c.1147G>T, p.Val383Leu (NM_001129840.2, NM_001167624.3, NM_001167625.2); c.1114-373G>T (NM_199460.4, NM_001129827.2, NM_001129832.2 and 15 more transcripts); c.1105-373G>T (NM_001129844.2); short protein forms V383L.
Identifiers: ClinVar variation 2858107 (VCV002858107.4), dbSNP rs2505826919, ClinGen allele CA383370643.
Genomic context (GRCh38, chr12:2,504,469, plus strand): 5'-TTTCCTAACTTTCCTTCGTCTTTCCAGATGCAGGACGCTATGGGCTATGAGTTACCCTGG[G>T]TGTATTTTGTCAGTCTGGTCATCTTTGGATCCTTTTTCGTTCTAAATCTGGTTCTCGGTG-3'
Protein context (NP_001161095.1, residues 373-393): QDAMGYELPW[Val383Leu]YFVSLVIFGS